The following is an entry in ClinVar:

ClinVar aggregate classification (germline): Pathogenic. Review status: criteria provided, multiple submitters, no conflicts (2 of 4 stars). 3 submissions from 3 submitters: Pathogenic (3). Last evaluated 2024-08-13.

Conditions:
Gastrointestinal stromal tumor. Also called: Gastrointestinal stromal tumor, somatic; Gastrointestinal stroma tumor. Identifiers: Orphanet 44890, MedGen C0238198, MeSH D046152, MONDO:0011719, OMIM 606764, HP:0100723.
Pheochromocytoma/paraganglioma syndrome 3. Also called: GLOMUS TUMORS, FAMILIAL, 3; SDHC-Related Hereditary Paraganglioma-Pheochromocytoma Syndrome (Paragangliomas 3); Paragangliomas 3; SDHC-Related Hereditary Paraganglioma-Pheochromocytoma Syndrome. Identifiers: Orphanet 29072, MedGen C1854336, MONDO:0011544, OMIM 605373.
Hereditary cancer-predisposing syndrome. Also called: Tumor predisposition; Neoplastic Syndromes, Hereditary; Hereditary neoplastic syndrome; Hereditary Cancer Syndrome. Identifiers: Orphanet 140162, MedGen C0027672, MeSH D009386, MONDO:0015356.

Submissions (3):

Myriad Genetics, Inc.
Classification: Pathogenic for Pheochromocytoma/paraganglioma syndrome 3. Last evaluated: 2024-08-13. Review status: criteria provided, single submitter. Criteria: Myriad Autosomal Dominant, Autosomal Recessive and X-Linked Classification Criteria (2023). Collection method: clinical testing. Allele origin: unknown.
Comment: This variant is considered pathogenic. This variant creates a frameshift predicted to result in premature protein truncation.

Ambry Genetics
Classification: Pathogenic for Hereditary cancer-predisposing syndrome. Last evaluated: 2023-07-06. Review status: criteria provided, single submitter. Criteria: Ambry Variant Classification Scheme 2023. Collection method: clinical testing. Allele origin: germline.
Comment: The c.250_251delCT pathogenic mutation, located in coding exon 5 of the SDHC gene, results from a deletion of two nucleotides at nucleotide positions 250 to 251, causing a translational frameshift with a predicted alternate stop codon (p.L84Ffs*13). This variant is considered to be rare based on population cohorts in the Genome Aggregation Database (gnomAD). This alteration is expected to result in loss of function by premature protein truncation or nonsense-mediated mRNA decay. As such, this alteration is interpreted as a disease-causing mutation.

Labcorp Genetics (formerly Invitae), Labcorp
Classification: Pathogenic for Pheochromocytoma/paraganglioma syndrome 3; Gastrointestinal stromal tumor. Last evaluated: 2023-03-02. Review status: criteria provided, single submitter. Criteria: Invitae Variant Classification Sherloc (09022015). Collection method: clinical testing. Allele origin: germline.
Comment: This sequence change creates a premature translational stop signal (p.Leu84Phefs*13) in the SDHC gene. It is expected to result in an absent or disrupted protein product. Loss-of-function variants in SDHC are known to be pathogenic (PMID: 17667967, 19454582, 23282968, 24758179). This variant is not present in population databases (gnomAD no frequency). This premature translational stop signal has been observed in individual(s) with paraganglioma (Invitae). For these reasons, this variant has been classified as Pathogenic.

Literature cited by the submitters: PubMed 17667967 (cited by Labcorp Genetics (formerly Invitae), Labcorp); PubMed 19454582 (cited by Labcorp Genetics (formerly Invitae), Labcorp); PubMed 23282968 (cited by Labcorp Genetics (formerly Invitae), Labcorp); PubMed 24758179 (cited by Labcorp Genetics (formerly Invitae), Labcorp).

NM_003001.5(SDHC):c.250_251del (p.Leu84fs)

Gene: SDHC (succinate dehydrogenase complex subunit C; plus strand). Cytogenetic location: 1q23.3.
Variant type: Microsatellite.
Coding change: c.250_251del on transcript NM_003001.5 (MANE Select); coding-DNA positions 250 to 251, 2 bases deleted (CT; older notation c.250_251delCT).
Protein change: p.Leu84fs; shifts the reading frame from leucine 84.
Molecular consequence: frameshift variant. On other transcripts: non-coding transcript variant (1), intron variant (3).
Genome position (GRCh38, 1-based): chr1:161,356,685-161,356,686, CT deleted; deleting any 2 consecutive bases within chr1:161,356,680-161,356,686 gives the same sequence; the c. name uses the placement nearest the transcript's 3' end. VCF-style (leftmost placement, unchanged base first): chr1-161356679-GTC-G. GRCh37 (hg19) VCF-style: chr1-161326469-GTC-G.
Other names: c.250_251delCT (NM_003001.3); c.148_149del, p.Leu50fs (NM_001035512.3); c.91_92del, p.Leu31fs (NM_001035513.3); c.370_371del, p.Leu124fs (NM_001407115.1); c.193_194del, p.Leu65fs (NM_001407116.1); c.187_188del, p.Leu63fs (NM_001407117.1); c.142_143del, p.Leu48fs (NM_001407118.1); c.139_140del, p.Leu47fs (NM_001407119.1, NM_001407120.1); and 4 more; short protein forms L31fs, L50fs, L84fs, L48fs, L63fs, L124fs, L47fs, L65fs.
Identifiers: ClinVar variation 1069194 (VCV001069194.9), dbSNP rs2102370242, ClinGen allele CA1139532063.